The following is an entry in ClinVar:

NM_000178.4(GSS):c.631C>G (p.Gln211Glu)

Gene: GSS (glutathione synthetase; minus strand). Cytogenetic location: 20q11.22.
Variant type: single nucleotide variant.
Coding change: c.631C>G on transcript NM_000178.4 (MANE Select); coding-DNA position 631, C replaced by G.
Protein change: p.Gln211Glu; replaces glutamine 211 with glutamic acid.
Molecular consequence: missense variant.
Genome position (GRCh38, 1-based): chr20:34,937,001, G>C on the plus strand (C>G on the coding strand, the complement: GSS is on the minus strand). VCF-style: chr20-34937001-G-C. GRCh37 (hg19) VCF-style: chr20-33524804-G-C.
Other names: c.631C>G, p.Gln211Glu (LRG_1168t1, NM_001322494.1, NM_001322495.1); short protein forms Q211E.
Identifiers: ClinVar variation 653428 (VCV000653428.23), dbSNP rs370351723, ClinGen allele CA9826012.

ClinVar aggregate classification (germline): Conflicting classifications of pathogenicity. Review status: criteria provided, conflicting classifications (1 of 4 stars). 7 submissions from 7 submitters: Uncertain significance (3); Likely benign (3). 1 of the submissions does not count toward it. Last evaluated 2025-03-05.

Conditions:
GSS-related disorder. Also called: GSS-related condition.
Glutathione synthetase deficiency without 5-oxoprolinuria. Also called: ANEMIA, CONGENITAL, NONSPHEROCYTIC HEMOLYTIC, 6. Identifiers: Orphanet 289849, Orphanet 32, MedGen C1856399, MONDO:0009284, OMIM 231900.
Glutathione synthetase deficiency with 5-oxoprolinuria. Also called: 5-Oxoprolinuria; Gluthathione synthetase deficiency; 5-OXOPROLINURIA DUE TO GLUTATHIONE SYNTHETASE DEFICIENCY; Reduced glutathione synthetase level; PYROGLUTAMIC ACIDURIA. Identifiers: Orphanet 289846, MedGen C0398746, MONDO:0009947, OMIM 266130, HP:0003343.
Inherited glutathione synthetase deficiency. Identifiers: Orphanet 32, MedGen C5979912, MONDO:0017909.

Allele frequency attached by ClinVar (database versions not stated): gnomAD exomes 0.00004 and 0.00016; ESP Exome Variant Server 0.00008; ExAC 0.00016; gnomAD 0.00032 and 0.00034; TOPMed 0.00038.
gnomAD v4.1: 193 of 1,613,268 alleles (0.012%); highest among the groups gnomAD compares: East Asian, 0.11%; 2 homozygotes.

Submissions (7):

ARUP Laboratories, Molecular Genetics and Genomics, ARUP Laboratories
Classification: Likely benign. Last evaluated: 2025-03-05. Review status: criteria provided, single submitter. Criteria: ARUP Molecular Germline Variant Investigation Process 2024. Collection method: clinical testing. Allele origin: germline.

Blueprint Genetics
Classification: Likely benign. Last evaluated: 2024-10-28. Review status: criteria provided, single submitter. Criteria: ACMG Guidelines, 2015. Collection method: clinical testing. Allele origin: germline.

Revvity Omics, Revvity
Classification: Likely benign. Last evaluated: 2024-09-27. Review status: criteria provided, single submitter. Criteria: ACMG Guidelines, 2015. Collection method: clinical testing. Allele origin: germline.

Fulgent Genetics
Classification: Uncertain significance for Glutathione synthetase deficiency without 5-oxoprolinuria; Glutathione synthetase deficiency with 5-oxoprolinuria. Last evaluated: 2024-01-15. Review status: criteria provided, single submitter. Criteria: ACMG Guidelines, 2015. Collection method: clinical testing. Allele origin: germline.

Labcorp Genetics (formerly Invitae), Labcorp
Classification: Uncertain significance for Glutathione synthetase deficiency with 5-oxoprolinuria. Last evaluated: 2022-10-25. Review status: criteria provided, single submitter. Criteria: Invitae Variant Classification Sherloc (09022015). Collection method: clinical testing. Allele origin: germline.
Comment: This sequence change replaces glutamine, which is neutral and polar, with glutamic acid, which is acidic and polar, at codon 211 of the GSS protein (p.Gln211Glu). This variant is present in population databases (rs370351723, gnomAD 0.2%). This variant has not been reported in the literature in individuals affected with GSS-related conditions. ClinVar contains an entry for this variant (Variation ID: 653428). Advanced modeling of protein sequence and biophysical properties (such as structural, functional, and spatial information, amino acid conservation, physicochemical variation, residue mobility, and thermodynamic stability) performed at Invitae indicates that this missense variant is not expected to disrupt GSS protein function. In summary, the available evidence is currently insufficient to determine the role of this variant in disease. Therefore, it has been classified as a Variant of Uncertain Significance.

Mayo Clinic Laboratories, Mayo Clinic
Classification: Uncertain significance. Last evaluated: 2021-05-11. Review status: criteria provided, single submitter. Criteria: ACMG Guidelines, 2015. Collection method: clinical testing. Allele origin: germline.

PreventionGenetics, part of Exact Sciences
Classification: Likely benign for GSS-related condition. Last evaluated: 2024-01-23. Review status: no assertion criteria provided. Collection method: clinical testing. Allele origin: germline. Not counted in ClinVar's aggregate classification.
Comment: This variant is classified as likely benign based on ACMG/AMP sequence variant interpretation guidelines (Richards et al. 2015 PMID: 25741868, with internal and published modifications).